The following is an entry in ClinVar:

ClinVar aggregate classification (germline): Pathogenic. Review status: criteria provided, multiple submitters, no conflicts (2 of 4 stars). 2 submissions from 2 submitters: Pathogenic (2). Last evaluated 2026-02-07.

Conditions:
X-linked Opitz G/BBB syndrome (GBBB). Also called: MID1-Related Opitz G/BBB Syndrome; OPITZ BBBG SYNDROME, TYPE I; OPITZ SYNDROME, X-LINKED; OPITZ-G SYNDROME, TYPE I; Opitz-Frias syndrome. Identifiers: Orphanet 2745, MedGen C2936904, MONDO:0010222, OMIM 300000.

Submissions (2):

Myriad Genetics, Inc.
Classification: Pathogenic for X-linked Opitz G/BBB syndrome. Last evaluated: 2026-02-07. Review status: criteria provided, single submitter. Criteria: Myriad Autosomal Dominant, Autosomal Recessive and X-Linked Classification Criteria (2023). Collection method: clinical testing. Allele origin: unknown.
Comment: NM_000381.3(MID1):c.669dupA(E224Rfs*3) is expected to be pathogenic in the context of Opitz G/BBB syndrome, MID1-related. This variant is predicted to lead to an abnormal or absent protein product due to the creation of a premature termination codon in MID1, a gene where loss-of-function variants are known to be pathogenic. Please note: this variant was assessed in the context of healthy population screening.

Labcorp Genetics (formerly Invitae), Labcorp
Classification: Pathogenic. Last evaluated: 2022-12-22. Review status: criteria provided, single submitter. Criteria: Invitae Variant Classification Sherloc (09022015). Collection method: clinical testing. Allele origin: germline.
Comment: This sequence change creates a premature translational stop signal (p.Glu224Argfs*3) in the MID1 gene. It is expected to result in an absent or disrupted protein product. Loss-of-function variants in MID1 are known to be pathogenic (PMID: 15558842, 17221865, 21326312). This variant is not present in population databases (gnomAD no frequency). This variant has not been reported in the literature in individuals affected with MID1-related conditions. For these reasons, this variant has been classified as Pathogenic.

Literature cited by the submitters: PubMed 15558842 (cited by Labcorp Genetics (formerly Invitae), Labcorp); PubMed 17221865 (cited by Labcorp Genetics (formerly Invitae), Labcorp); PubMed 21326312 (cited by Labcorp Genetics (formerly Invitae), Labcorp).

NM_000381.4(MID1):c.669dup (p.Glu224fs)

Gene: MID1 (midline 1; minus strand). Cytogenetic location: Xp22.2.
Variant type: Duplication.
Coding change: c.669dup on transcript NM_000381.4 (MANE Select); coding-DNA position 669, one base duplicated (A; older notation c.669dupA).
Protein change: p.Glu224fs; shifts the reading frame from glutamic acid 224.
Molecular consequence: frameshift variant.
Genome position (GRCh38, 1-based): chrX:10,523,179, T duplicated on the plus strand (A on the coding strand, the reverse complement: MID1 is on the minus strand). VCF-style (leftmost placement, unchanged base first): chrX-10523178-C-CT. GRCh37 (hg19) VCF-style: chrX-10491218-C-CT.
Other names: c.669dup, p.Glu224fs (NM_001098624.2, NM_001193277.1, NM_001193278.1 and 3 more transcripts); c.555dup, p.Glu186fs (NM_001193280.1, NM_033289.2); short protein forms E186fs, E224fs.
Identifiers: ClinVar variation 2020625 (VCV002020625.5), dbSNP rs2519099802, ClinGen allele CA2580100004.